The following is an entry in ClinVar:

ClinVar aggregate classification (germline): Uncertain significance (1 of 4 stars; one submission).

Submission:

Labcorp Genetics (formerly Invitae), Labcorp
Classification: Uncertain significance. Last evaluated: 2021-12-27. Review status: criteria provided, single submitter. Criteria: Invitae Variant Classification Sherloc (09022015). Collection method: clinical testing. Allele origin: germline.
Comment: This sequence change replaces glycine, which is neutral and non-polar, with alanine, which is neutral and non-polar, at codon 413 of the ASNS protein (p.Gly413Ala). This variant also falls at the last nucleotide of exon 10, which is part of the consensus splice site for this exon. This variant is not present in population databases (gnomAD no frequency). This variant has not been reported in the literature in individuals affected with ASNS-related conditions. Algorithms developed to predict the effect of missense changes on protein structure and function are either unavailable or do not agree on the potential impact of this missense change (SIFT: "Deleterious"; PolyPhen-2: "Possibly Damaging"; Align-GVGD: "Class C0"). Variants that disrupt the consensus splice site are a relatively common cause of aberrant splicing (PMID: 17576681, 9536098). Algorithms developed to predict the effect of sequence changes on RNA splicing suggest that this variant may disrupt the consensus splice site. In summary, the available evidence is currently insufficient to determine the role of this variant in disease. Therefore, it has been classified as a Variant of Uncertain Significance.

Literature cited by the submitters: PubMed 17576681; PubMed 9536098.

NM_001673.5(ASNS):c.1238G>C (p.Gly413Ala)

Genes: ASNS (asparagine synthetase (glutamine-hydrolyzing); minus strand), CZ1P-ASNS (CZ1P-ASNS readthrough; minus strand). Cytogenetic location: 7q21.3.
Variant type: single nucleotide variant.
Coding change: c.1238G>C on transcript NM_001673.5 (MANE Select); coding-DNA position 1238, G replaced by C.
Protein change: p.Gly413Ala; replaces glycine 413 with alanine.
Molecular consequence: missense variant. On other transcripts: non-coding transcript variant (1).
Genome position (GRCh38, 1-based): chr7:97,854,580, C>G on the plus strand (G>C on the coding strand, the complement: ASNS is on the minus strand). VCF-style: chr7-97854580-C-G. GRCh37 (hg19) VCF-style: chr7-97483892-C-G.
Other names: c.1175G>C, p.Gly392Ala (NM_001178075.2); c.989G>C, p.Gly330Ala (NM_001178076.2, NM_001178077.1); c.1238G>C, p.Gly413Ala (NM_001352496.2, NM_133436.3, NM_183356.4); short protein forms G330A, G392A, G413A.
Identifiers: ClinVar variation 1400013 (VCV001400013.5), dbSNP rs1791344880, ClinGen allele CA368265314.